The following is an entry in ClinVar:

ClinVar aggregate classification (germline): Uncertain significance (1 of 4 stars; one submission).

Conditions:
Hereditary cancer-predisposing syndrome. Also called: Neoplastic Syndromes, Hereditary; Tumor predisposition; Hereditary neoplastic syndrome; Hereditary Cancer Syndrome. Identifiers: Orphanet 140162, MedGen C0027672, MeSH D009386, MONDO:0015356.

Submission:

Ambry Genetics
Classification: Uncertain significance for Hereditary cancer-predisposing syndrome. Last evaluated: 2023-11-17. Review status: criteria provided, single submitter. Criteria: Ambry Variant Classification Scheme 2023. Collection method: clinical testing. Allele origin: germline.
Comment: The c.1428_1431delCGTG variant, located in coding exon 12 of the SUFU gene, results from a deletion of 4 nucleotides at nucleotide positions 1428 to 1431, causing a translational frameshift with a predicted alternate stop codon (p.D476Efs*26). This alteration occurs at the 3' terminus of theSUFU gene, is not expected to trigger nonsense-mediated mRNAdecay and results in the elongation of the protein by 16 amino acids. This frameshift impacts the last 9 amino acids of the native protein. The exact functional effect of the altered amino acids is unknown. Since supporting evidence is limited at this time, the clinical significance of this alteration remains unclear.

NM_016169.4(SUFU):c.1428_1431del (p.Asp476fs)

Gene: SUFU (SUFU negative regulator of hedgehog signaling; plus strand). Cytogenetic location: 10q24.32.
Variant type: Deletion.
Coding change: c.1428_1431del on transcript NM_016169.4 (MANE Select); coding-DNA positions 1428 to 1431, 4 bases deleted (CGTG; older notation c.1428_1431delCGTG).
Protein change: p.Asp476fs; shifts the reading frame from aspartic acid 476.
Molecular consequence: frameshift variant.
Genome position (GRCh38, 1-based): chr10:102,630,128-102,630,131, CGTG deleted. VCF-style (leftmost placement, unchanged base first): chr10-102630127-ACGTG-A. GRCh37 (hg19) VCF-style: chr10-104389884-ACGTG-A.
Other names: short protein forms D476fs.
Identifiers: ClinVar variation 3226873 (VCV003226873.1), dbSNP rs2492850967, ClinGen allele CA2825001679.